The following is an entry in ClinVar:

ClinVar aggregate classification (germline): Pathogenic (0 of 4 stars; one submission).

Conditions:
Emery-Dreifuss muscular dystrophy 2, autosomal dominant (EDMD2). Also called: MUSCULAR DYSTROPHY WITH EARLY CONTRACTURES AND CARDIOMYOPATHY, AUTOSOMAL DOMINANT; SCAPULOILIOPERONEAL ATROPHY WITH CARDIOPATHY; Benign scapuloperoneal muscular dystrophy with cardiomyopathy; LMNA-Related Emery-Dreifuss Muscular Dystrophy, Autosomal; Limb-girdle muscular dystrophy, type 1B; Muscular dystrophy, proximal, type 1B. Identifiers: Orphanet 261, Orphanet 264, MedGen C0410190, MONDO:0021569, OMIM 181350.

Submission:

Department of Medical Genetics, National Institute of Health
Classification: Pathogenic for Emery-Dreifuss muscular dystrophy 2, autosomal dominant. Last evaluated: 2022-06-13. Review status: no assertion criteria provided. Collection method: clinical testing. Allele origin: de novo. Inheritance: Autosomal dominant inheritance. Affected: yes. Observed: 1 heterozygote.
Comment: Cardiac investigation showed a dilated cardiomyopathy. NGS sequencing identified a novel variant: NM_170707.4(LMNA):c. 1549_1550delCA. This variant has not been reported in databases and was not found in 138 Moroccan clinical exomes (In-house database). Our result confirms the diagnosis of Emery Dreifuss Muscular Dystrophy.

NM_170707.4(LMNA):c.1549_1550del (p.Gln517fs)

Gene: LMNA (lamin A/C; plus strand). Cytogenetic location: 1q22.
Variant type: Microsatellite.
Coding change: c.1549_1550del on transcript NM_170707.4 (MANE Select); coding-DNA positions 1549 to 1550, 2 bases deleted (CA; older notation c.1549_1550delCA).
Protein change: p.Gln517fs; shifts the reading frame from glutamine 517.
Molecular consequence: frameshift variant.
Genome position (GRCh38, 1-based): chr1:156,137,173-156,137,174, CA deleted; deleting any 2 consecutive bases within chr1:156,137,171-156,137,174 gives the same sequence; the c. name uses the placement nearest the transcript's 3' end. VCF-style (leftmost placement, unchanged base first): chr1-156137170-GCA-G. GRCh37 (hg19) VCF-style: chr1-156106961-GCA-G.
Other names: c.1213_1214del, p.Gln405fs (NM_001257374.3); c.1306_1307del, p.Gln436fs (NM_001282624.2); c.1549_1550del, p.Gln517fs (NM_001282625.2, NM_001282626.2, NM_005572.4 and 1 more transcripts); c.1549_1550delCA (NM_170707.4); short protein forms Q405fs, Q436fs, Q517fs.
Identifiers: ClinVar variation 1691500 (VCV001691500.1), dbSNP rs2528011998, ClinGen allele CA2580611220.